The following is an entry in ClinVar:

NM_001370259.2(MEN1):c.1727A>G (p.Lys576Arg)

Gene: MEN1 (menin 1; minus strand). Cytogenetic location: 11q13.1.
Variant type: single nucleotide variant.
Coding change: c.1727A>G on transcript NM_001370259.2 (MANE Select); coding-DNA position 1727, A replaced by G.
Protein change: p.Lys576Arg; replaces lysine 576 with arginine.
Molecular consequence: missense variant. On other transcripts: non-coding transcript variant (4).
Genome position (GRCh38, 1-based): chr11:64,804,440, T>C on the plus strand (A>G on the coding strand, the complement: MEN1 is on the minus strand). VCF-style: chr11-64804440-T-C. GRCh37 (hg19) VCF-style: chr11-64571912-T-C.
Other names: c.1742A>G, p.Lys581Arg (NM_130801.3, NM_130802.3, NM_130803.3 and 4 more transcripts); c.1853A>G, p.Lys618Arg (NM_001370251.2, NM_001407142.1, NM_001407143.1 and 1 more transcripts); c.1727A>G, p.Lys576Arg (NM_001370260.2, NM_001370261.2, NM_001407146.1 and 2 more transcripts); c.1622A>G, p.Lys541Arg (NM_001370262.2, NM_001370263.2, NM_001407148.1 and 1 more transcripts); c.1868A>G, p.Lys623Arg (NM_001407150.1); c.1748A>G, p.Lys583Arg (NM_001407151.1); c.1562A>G, p.Lys521Arg (NM_001407152.1); short protein forms K541R, K618R, K581R, K521R, K576R, K583R, K623R.
Identifiers: ClinVar variation 3634183 (VCV003634183.2).
Genomic context (GRCh38, chr11:64,804,440, plus strand): 5'-CTAGGGGTGGACACTTTCTGCTTCTTCATCTGCACTTGCGACTGTGCCGTGAGTTGCAGC[T>C]TGATGGCGCTCGAGTTGATCTTGGTGGCCACCAGCAGCTCCTTCATGCCCTTCATCTTCT-3'
Protein context (NP_001357188.2, residues 566-586): VATKINSSAI[Lys576Arg]LQLTAQSQVQ

ClinVar aggregate classification (germline): Uncertain significance (1 of 4 stars; one submission).

Conditions:
Multiple endocrine neoplasia, type 1 (MEN1). Also called: MEN I; WERMER SYNDROME; Endocrine adenomatosis multiple; MEN 1; MEA I. Identifiers: Orphanet 652, MedGen C0025267, MeSH D018761, MONDO:0007540, OMIM 131100.

Submission:

Labcorp Genetics (formerly Invitae), Labcorp
Classification: Uncertain significance for Multiple endocrine neoplasia, type 1. Last evaluated: 2024-09-18. Review status: criteria provided, single submitter. Criteria: Invitae Variant Classification Sherloc (09022015). Collection method: clinical testing. Allele origin: germline.
Comment: This sequence change replaces lysine, which is basic and polar, with arginine, which is basic and polar, at codon 576 of the MEN1 protein (p.Lys576Arg). This variant is not present in population databases (gnomAD no frequency). This variant has not been reported in the literature in individuals affected with MEN1-related conditions. Invitae Evidence Modeling of protein sequence and biophysical properties (such as structural, functional, and spatial information, amino acid conservation, physicochemical variation, residue mobility, and thermodynamic stability) indicates that this missense variant is expected to disrupt MEN1 protein function with a positive predictive value of 95%. In summary, the available evidence is currently insufficient to determine the role of this variant in disease. Therefore, it has been classified as a Variant of Uncertain Significance.